The following is an entry in ClinVar:

ClinVar aggregate classification (germline): Pathogenic (1 of 4 stars; one submission).

Submission:

GeneDx
Classification: Pathogenic. Last evaluated: 2012-05-15. Review status: criteria provided, single submitter. Criteria: GeneDx Variant Classification (06012015). Collection method: clinical testing. Allele origin: germline. Affected: yes.
Comment: p.Glu1915GlyfsX28: c.5744_5748delAGGAA in exon 26 of the SCN1A gene (NM_006920.4) The c.5744_5748delAGGAA mutation in the SCN1A gene causes a frameshift starting with codon Glutamic acid 1915, changes this amino acid to a Glycine residue and creates a premature stop codon at position 28 of the new reading frame, denoted p.Glu1915GlyfsX28. This mutation causes the last 95 amino acids of the normal SCN1A protein to be replaced with 27 incorrect amino acids. This is expected to create a truncated abnormal protein, resulting in the loss of normal protein function. Although this specific mutation has not been previously reported to our knowledge, similar frameshift mutations in the C-terminal domain of the protein have been published in association with SCN1A-related disordersin an external mutation database. Therefore, the presence of c.5744_5748delAGGAA is consistent with a diagnosis of an SCN1A-related disorder. The variant is found in EPILEPSY panel(s).

NM_001165963.4(SCN1A):c.5744_5748del (p.Glu1915fs)

Genes: SCN1A (sodium voltage-gated channel alpha subunit 1; minus strand), LOC102724058 (uncharacterized LOC102724058; plus strand). Cytogenetic location: 2q24.3.
Variant type: Deletion.
Coding change: c.5744_5748del on transcript NM_001165963.4 (MANE Select); coding-DNA positions 5744 to 5748, 5 bases deleted (AGGAA; older notation c.5744_5748delAGGAA).
Protein change: p.Glu1915fs; shifts the reading frame from glutamic acid 1915.
Molecular consequence: frameshift variant. On other transcripts: non-coding transcript variant (1).
Genome position (GRCh38, 1-based): chr2:165,991,527-165,991,531, TTCCT deleted on the plus strand (AGGAA on the coding strand, the reverse complement: SCN1A is on the minus strand). VCF-style (leftmost placement, unchanged base first): chr2-165991526-CTTCCT-C. GRCh37 (hg19) VCF-style: chr2-166848036-CTTCCT-C.
Other names: c.5660_5664del, p.Glu1887fs (NM_001165964.3, NM_001353957.2, NM_001353958.2); c.5744_5748del, p.Glu1915fs (NM_001202435.3, NM_001353948.2); c.5711_5715del, p.Glu1904fs (NM_001353949.2, NM_001353950.2, NM_001353951.2 and 2 more transcripts); c.5708_5712del, p.Glu1903fs (NM_001353954.2, NM_001353955.2); c.5657_5661del, p.Glu1886fs (NM_001353960.2); c.3302_3306del, p.Glu1101fs (NM_001353961.2); short protein forms E1101fs, E1886fs, E1904fs, E1887fs, E1903fs, E1915fs.
Identifiers: ClinVar variation 208411 (VCV000208411.1), dbSNP rs797044984, ClinGen allele CA319675.